The following is an entry in ClinVar:

ClinVar aggregate classification (germline): Likely benign (1 of 4 stars; one submission).

Conditions:
Hereditary breast ovarian cancer syndrome. Also called: BRCA1- and BRCA2-Associated Hereditary Breast and Ovarian Cancer; Hereditary breast and ovarian cancer syndrome (HBOC); Hereditary breast and ovarian cancer syndrome; Breast and ovarian cancer; Hereditary breast and ovarian cancer; Hereditary breast and/or ovarian cancer syndrome. Identifiers: Orphanet 145, MedGen C0677776, MeSH D061325, MONDO:0003582. Disease mechanism: loss of function.

Allele frequency attached by ClinVar (database versions not stated): gnomAD exomes below 0.00001.
gnomAD v4.1: 1 of 1,613,402 alleles (0.000062%); highest among the groups gnomAD compares: Non-Finnish European, 0.000085%; no homozygotes.

Submissions (2):

Labcorp Genetics (formerly Invitae), Labcorp
Classification: Likely benign for Hereditary breast ovarian cancer syndrome. Last evaluated: 2024-10-17. Review status: criteria provided, single submitter. Criteria: Invitae Variant Classification Sherloc (09022015). Collection method: clinical testing. Allele origin: germline.

Brotman Baty Institute, University of Washington
No classification provided (evidence only). Condition: Breast-ovarian cancer, familial 1. Review status: no classification provided. Collection method: in vitro. Allele origin: not applicable. Functional consequence: functionally_normal. Not counted in ClinVar's aggregate classification.
ClinVar note: "not provided" was previously submitted as the classification for the variant. However, the classification appeared to be based only on an observation of functional data so it was converted to no classification on 2025-07-30.

NM_007294.4(BRCA1):c.5332+11G>A

Gene: BRCA1 (BRCA1 DNA repair associated; minus strand). Cytogenetic location: 17q21.31.
Variant type: single nucleotide variant.
Coding change: c.5332+11G>A on transcript NM_007294.4 (MANE Select); 11 bases into the intron after coding-DNA position 5332, G replaced by A.
Molecular consequence: intron variant.
Genome position (GRCh38, 1-based): chr17:43,051,052, C>T on the plus strand (G>A on the coding strand, the complement: BRCA1 is on the minus strand). VCF-style: chr17-43051052-C-T. GRCh37 (hg19) VCF-style: chr17-41203069-C-T.
Other names: c.1879+11G>A (NM_001408458.1, NM_001408461.1, NM_001408464.1 and 7 more transcripts); c.4441+11G>A (NM_001407967.1); c.4951+11G>A (NM_001407959.1); c.5065+11G>A (NM_001407931.1, NM_001407932.1, NM_001407928.1 and 4 more transcripts); c.5188+11G>A (NM_001407747.1, NM_001407745.1, NM_001407737.1 and 21 more transcripts); c.4948+11G>A (NM_001407962.1, NM_001407960.1); c.1519+11G>A (NM_001408512.1); c.1642+11G>A (NM_001408510.1); and 74 more.
Identifiers: ClinVar variation 764109 (VCV000764109.14), dbSNP rs1258744250, ClinGen allele CA626077243.
Genomic context (GRCh38, chr17:43,051,052, plus strand): 5'-CTTGCTTATAATACTCCACTATGTAAGACAAAGGCTGGTGCTGGAACTCTGGGGTTCTCC[C>T]AGGCTCTTACCTGTGGGCATGTTGGTGAAGGGCCCATAGCAACAGATTTCTAGCCCCCTG-3'